The following is an entry in ClinVar:

NM_000088.4(COL1A1):c.1983+9G>T

Gene: COL1A1 (collagen type I alpha 1 chain; minus strand). Cytogenetic location: 17q21.33.
Variant type: single nucleotide variant.
Coding change: c.1983+9G>T on transcript NM_000088.4 (MANE Select); 9 bases into the intron after coding-DNA position 1983, G replaced by T.
Molecular consequence: intron variant.
Genome position (GRCh38, 1-based): chr17:50,192,466, C>A on the plus strand (G>T on the coding strand, the complement: COL1A1 is on the minus strand). VCF-style: chr17-50192466-C-A. GRCh37 (hg19) VCF-style: chr17-48269827-C-A.
Identifiers: ClinVar variation 324109 (VCV000324109.21), dbSNP rs201091992, ClinGen allele CA8644997.

ClinVar aggregate classification (germline): Benign/Likely benign. Review status: criteria provided, multiple submitters, no conflicts (2 of 4 stars). 9 submissions from 7 submitters: Benign (5); Likely benign (3). 1 of the submissions does not count toward it. Last evaluated 2026-05-11.

Conditions:
Infantile cortical hyperostosis. Also called: Hyperostosis, Cortical, Congenital; Caffey Disease; P1PK BLOOD GROUP SYSTEM, P(2) PHENOTYPE. Identifiers: Orphanet 1310, MedGen C0020497, MONDO:0007244, OMIM 114000.
Osteogenesis imperfecta (OI). Identifiers: Orphanet 666, MedGen C0029434, MeSH D010013, MONDO:0019019.
Osteogenesis imperfecta type I (OI1). Also called: OI, TYPE I; OSTEOGENESIS IMPERFECTA TARDA; OSTEOGENESIS IMPERFECTA WITH BLUE SCLERAE; Lobstein's Disease; Osteogenesis imperfecta type 1; Lobstein disease. Identifiers: Orphanet 216796, Orphanet 666, MedGen C0023931, MONDO:0008146, OMIM 166200. Disease mechanism: loss of function.
COL1A1-related disorder. Also called: COL1A1-related condition; COL1A1- related disease.
Ehlers-Danlos syndrome, arthrochalasia type. Also called: Ehlers-Danlos syndrome, arthrochalasis type; ARTHROCHALASIS MULTIPLEX CONGENITA; EDS VII, MUTANT PROCOLLAGEN TYPE; EDS VIIA; Ehlers-Danlos syndrome, arthrochalasia type, 1. Identifiers: Orphanet 1899, Orphanet 99875, Orphanet 99876, MedGen C4551623, MONDO:0007525, OMIM 130060.
Ehlers-Danlos syndrome (EDS). Identifiers: Orphanet 98249, MedGen C0013720, MONDO:0020066.

Allele frequency attached by ClinVar (database versions not stated): TOPMed 0.00006; 1000 Genomes Project 30x 0.00094; 1000 Genomes Project 0.00100.
gnomAD v4.1: 830 of 1,606,106 alleles (0.052%); highest among the groups gnomAD compares: South Asian, 0.89%; 11 homozygotes.

Submissions (9):

Women's Health and Genetics/Laboratory Corporation of America, LabCorp
Classification: Benign. Last evaluated: 2026-05-11. Review status: criteria provided, single submitter. Criteria: LabCorp Variant Classification Summary - May 2015. Collection method: clinical testing. Allele origin: germline.

Labcorp Genetics (formerly Invitae), Labcorp
Classification: Benign for Osteogenesis imperfecta type I. Last evaluated: 2026-01-11. Review status: criteria provided, single submitter. Criteria: Invitae Variant Classification Sherloc (09022015). Collection method: clinical testing. Allele origin: germline.

Blueprint Genetics
Classification: Likely benign. Last evaluated: 2024-08-17. Review status: criteria provided, single submitter. Criteria: ACMG Guidelines, 2015. Collection method: clinical testing. Allele origin: germline.

Genome Diagnostics Laboratory, The Hospital for Sick Children
Classification: Benign for Ehlers-Danlos syndrome. Last evaluated: 2021-09-29. Review status: criteria provided, single submitter. Criteria: ACMG Guidelines, 2015. Collection method: clinical testing. Allele origin: germline.

GeneDx
Classification: Likely benign. Last evaluated: 2018-01-18. Review status: criteria provided, single submitter. Criteria: GeneDx Variant Classification (06012015). Collection method: clinical testing. Allele origin: germline. Affected: yes.
Comment: This variant is considered likely benign or benign based on one or more of the following criteria: it is a conservative change, it occurs at a poorly conserved position in the protein, it is predicted to be benign by multiple in silico algorithms, and/or has population frequency not consistent with disease.

Illumina Laboratory Services, Illumina
Classification: Benign for Ehlers-Danlos syndrome, arthrochalasia type. Last evaluated: 2018-01-13. Review status: criteria provided, single submitter. Criteria: ICSL Variant Classification Criteria 13 December 2019. Collection method: clinical testing. Allele origin: germline.
Comment: This variant was observed in the ICSL laboratory as part of a predisposition screen in an ostensibly healthy population. It had not been previously curated by ICSL or reported in the Human Gene Mutation Database (HGMD: prior to June 1st, 2018), and was therefore a candidate for classification through an automated scoring system. Utilizing variant allele frequency, disease prevalence and penetrance estimates, and inheritance mode, an automated score was calculated to assess if this variant is too frequent to cause the disease. Based on the score and internal cut-off values, a variant classified as benign is not then subjected to further curation. The score for this variant resulted in a classification of benign for this disease.

Illumina Laboratory Services, Illumina
Classification: Benign for Osteogenesis imperfecta. Last evaluated: 2018-01-13. Review status: criteria provided, single submitter. Criteria: ICSL Variant Classification Criteria 13 December 2019. Collection method: clinical testing. Allele origin: germline.
Comment: the same text as in the submission from Illumina Laboratory Services, Illumina above.

Illumina Laboratory Services, Illumina
Classification: Likely benign for Infantile cortical hyperostosis. Last evaluated: 2018-01-13. Review status: criteria provided, single submitter. Criteria: ICSL Variant Classification Criteria 13 December 2019. Collection method: clinical testing. Allele origin: germline.
Comment: This variant was observed in the ICSL laboratory as part of a predisposition screen in an ostensibly healthy population. It had not been previously curated by ICSL or reported in the Human Gene Mutation Database (HGMD: prior to June 1st, 2018), and was therefore a candidate for classification through an automated scoring system. Utilizing variant allele frequency, disease prevalence and penetrance estimates, and inheritance mode, an automated score was calculated to assess if this variant is too frequent to cause the disease. Based on the score and internal cut-off values, a variant classified as likely benign is not then subjected to further curation. The score for this variant resulted in a classification of likely benign for this disease.

PreventionGenetics, part of Exact Sciences
Classification: Likely benign for COL1A1-related condition. Last evaluated: 2024-06-20. Review status: no assertion criteria provided. Collection method: clinical testing. Allele origin: germline. Not counted in ClinVar's aggregate classification.
Comment: This variant is classified as likely benign based on ACMG/AMP sequence variant interpretation guidelines (Richards et al. 2015 PMID: 25741868, with internal and published modifications).